The following is an entry in ClinVar:

NC_000017.10:g.(?_62473940)_(62474125_?)del

Gene: POLG2 (DNA polymerase gamma 2, accessory subunit; minus strand). Cytogenetic location: 17q23.3.
Variant type: Deletion.
Identifiers: ClinVar variation 2425701 (VCV002425701.4).

ClinVar aggregate classification (germline): Uncertain significance (1 of 4 stars; one submission).

Submission:

Labcorp Genetics (formerly Invitae), Labcorp
Classification: Uncertain significance. Last evaluated: 2022-07-06. Review status: criteria provided, single submitter. Criteria: Invitae Variant Classification Sherloc (09022015). Collection method: clinical testing. Allele origin: germline.
Comment: In summary, the available evidence is currently insufficient to determine the role of this variant in disease. Therefore, it has been classified as a Variant of Uncertain Significance. Experimental studies and prediction algorithms are not available or were not evaluated, and the functional significance of this variant is currently unknown. This variant has not been reported in the literature in individuals affected with POLG2-related conditions. This variant is a gross deletion of the genomic region encompassing exon(s) 8 of the POLG2 gene, which includes the termination codon. This deletion extends beyond the assayed region for this gene and therefore may encompass additional genes. While this deletion is not anticipated to lead to nonsense mediated decay, it is expected to alter mRNA translation or result in a truncated protein product.